The following is an entry in ClinVar:

ClinVar aggregate classification (germline): Uncertain significance (1 of 4 stars; one submission).

Conditions:
Microphthalmia, syndromic 11 (MCOPS11). Identifiers: MedGen C3553077, MONDO:0013734, OMIM 614402.

gnomAD v4.1: 55 of 1,613,782 alleles (0.0034%); highest among the groups gnomAD compares: Non-Finnish European, 0.0042%; no homozygotes.

Submission:

Labcorp Genetics (formerly Invitae), Labcorp
Classification: Uncertain significance for Microphthalmia, syndromic 11. Last evaluated: 2024-02-02. Review status: criteria provided, single submitter. Criteria: Invitae Variant Classification Sherloc (09022015). Collection method: clinical testing. Allele origin: germline.
Comment: This sequence change replaces threonine, which is neutral and polar, with methionine, which is neutral and non-polar, at codon 103 of the VAX1 protein (p.Thr103Met). This variant is present in population databases (rs371683596, gnomAD 0.004%). This variant has not been reported in the literature in individuals affected with VAX1-related conditions. Advanced modeling of protein sequence and biophysical properties (such as structural, functional, and spatial information, amino acid conservation, physicochemical variation, residue mobility, and thermodynamic stability) performed at Invitae indicates that this missense variant is expected to disrupt VAX1 protein function with a positive predictive value of 80%. In summary, the available evidence is currently insufficient to determine the role of this variant in disease. Therefore, it has been classified as a Variant of Uncertain Significance.

NM_001112704.2(VAX1):c.308C>T (p.Thr103Met)

Gene: VAX1 (ventral anterior homeobox 1; minus strand). Cytogenetic location: 10q25.3.
Variant type: single nucleotide variant.
Coding change: c.308C>T on transcript NM_001112704.2 (MANE Select); coding-DNA position 308, C replaced by T.
Protein change: p.Thr103Met; replaces threonine 103 with methionine.
Molecular consequence: missense variant.
Genome position (GRCh38, 1-based): chr10:117,136,593, G>A on the plus strand (C>T on the coding strand, the complement: VAX1 is on the minus strand). VCF-style: chr10-117136593-G-A. GRCh37 (hg19) VCF-style: chr10-118896104-G-A.
Other names: c.308C>T, p.Thr103Met (NM_199131.3); short protein forms T103M.
Identifiers: ClinVar variation 3637807 (VCV003637807.2).